The following is an entry in ClinVar:

ClinVar aggregate classification (germline): Uncertain significance (1 of 4 stars; one submission).

Conditions:
Noonan syndrome 10 (NS10). Identifiers: Orphanet 648, MedGen C4225280, MONDO:0014693, OMIM 616564.

Submission:

Laboratorio de Biologia Molecular - Genetica, Hospital de Pediatria Garrahan
Classification: Uncertain significance for Noonan syndrome 10. Review status: criteria provided, single submitter. Criteria: ACMG Guidelines, 2015. Collection method: clinical testing. Allele origin: germline. Inheritance: Autosomal dominant inheritance. Affected: yes. Observed: 1 heterozygote.
Comment: According to the ACMG guidelines, the variant c.360C>A (p.His120Gln) is classified as variant of uncertain significance. It was classified as deleterious by different in silico algorithms and was not identified in the databases, including ExAC, 1000 Genomes. Dominant and recessive NS causing mutations have been described near this variant (kelch domain); c.356 A>G (p.Y119C) dominant NS (Yamamoto et al 2015) and c.361C>G (p.H121D) recessive NS (Johnston et al 2017).

NM_006767.4(LZTR1):c.360C>A (p.His120Gln)

Gene: LZTR1 (leucine zipper like transcription regulator 1; plus strand). Cytogenetic location: 22q11.21.
Variant type: single nucleotide variant.
Coding change: c.360C>A on transcript NM_006767.4 (MANE Select); coding-DNA position 360, C replaced by A.
Protein change: p.His120Gln; replaces histidine 120 with glutamine.
Molecular consequence: missense variant.
Genome position (GRCh38, 1-based): chr22:20,987,543, C>A. VCF-style: chr22-20987543-C-A. GRCh37 (hg19) VCF-style: chr22-21341832-C-A.
Other names: short protein forms H120Q.
Identifiers: ClinVar variation 634899 (VCV000634899.3), dbSNP rs1249605552, ClinGen allele CA410779337.